The following is an entry in ClinVar:

ClinVar aggregate classification (germline): Conflicting classifications of pathogenicity. Review status: criteria provided, conflicting classifications (1 of 4 stars). 5 submissions from 5 submitters: Uncertain significance (4); Likely benign (1). Last evaluated 2025-10-23.

Conditions:
Inborn genetic diseases. Identifiers: MedGen C0950123, MeSH D030342.
Congenital glucose-galactose malabsorption (GGM). Also called: MONOSACCHARIDE MALABSORPTION; DIARRHEA 16. Identifiers: Orphanet 35710, MedGen C0268186, MONDO:0011731, OMIM 606824.

Allele frequency attached by ClinVar (database versions not stated): gnomAD 0.00008 and 0.00010; ExAC 0.00010; gnomAD exomes 0.00010 and 0.00014; TOPMed 0.00016; 1000 Genomes Project 30x 0.00031; 1000 Genomes Project 0.00040.
gnomAD v4.1: 164 of 1,613,940 alleles (0.01%); highest among the groups gnomAD compares: East Asian, 0.13%; no homozygotes.

Submissions (5):

Labcorp Genetics (formerly Invitae), Labcorp
Classification: Likely benign for Congenital glucose-galactose malabsorption. Last evaluated: 2025-10-23. Review status: criteria provided, single submitter. Criteria: Invitae Variant Classification Sherloc (09022015). Collection method: clinical testing. Allele origin: germline.

Mayo Clinic Laboratories, Mayo Clinic
Classification: Uncertain significance. Last evaluated: 2025-09-22. Review status: criteria provided, single submitter. Criteria: ACMG Guidelines, 2015. Collection method: clinical testing. Allele origin: germline. Observed: 1 variant allele.
Comment: BP4_moderate

Fulgent Genetics
Classification: Uncertain significance for Congenital glucose-galactose malabsorption. Last evaluated: 2024-05-11. Review status: criteria provided, single submitter. Criteria: ACMG Guidelines, 2015. Collection method: clinical testing. Allele origin: germline.

Ambry Genetics
Classification: Uncertain significance for Inborn genetic diseases. Last evaluated: 2023-09-20. Review status: criteria provided, single submitter. Criteria: Ambry Variant Classification Scheme 2023. Collection method: clinical testing. Allele origin: germline.

Illumina Laboratory Services, Illumina
Classification: Uncertain significance for Congenital glucose-galactose malabsorption. Last evaluated: 2018-01-13. Review status: criteria provided, single submitter. Criteria: ICSL Variant Classification Criteria 13 December 2019. Collection method: clinical testing. Allele origin: germline.

NM_000343.4(SLC5A1):c.1556C>T (p.Thr519Met)

Gene: SLC5A1 (solute carrier family 5 member 1; plus strand). Cytogenetic location: 22q12.3.
Variant type: single nucleotide variant.
Coding change: c.1556C>T on transcript NM_000343.4 (MANE Select); coding-DNA position 1556, C replaced by T.
Protein change: p.Thr519Met; replaces threonine 519 with methionine.
Molecular consequence: missense variant.
Genome position (GRCh38, 1-based): chr22:32,102,128, C>T. VCF-style: chr22-32102128-C-T. GRCh37 (hg19) VCF-style: chr22-32498115-C-T.
Other names: p.Thr519Met; c.1175C>T, p.Thr392Met (NM_001256314.2); short protein forms T519M, T392M.
Identifiers: ClinVar variation 341256 (VCV000341256.13), dbSNP rs33975915, ClinGen allele CA10198257.
Genomic context (GRCh38, chr22:32,102,128, plus strand): 5'-GTATGATTACTGAGTTTGCTTATGGAACCGGGAGCTGCATGGAGCCCAGCAACTGTCCCA[C>T]GATTATCTGTGGGGTGCACTACTTGTACTTTGCCATTATCCTCTTCGCCATTTCTTTCAT-3'
Protein context (NP_000334.1, residues 509-529): GSCMEPSNCP[Thr519Met]IICGVHYLYF